The following is an entry in ClinVar:

NM_152703.5(SAMD9L):c.3817G>A (p.Asp1273Asn)

Gene: SAMD9L (sterile alpha motif domain containing 9 like; minus strand). Cytogenetic location: 7q21.2.
Variant type: single nucleotide variant.
Coding change: c.3817G>A on transcript NM_152703.5 (MANE Select); coding-DNA position 3817, G replaced by A.
Protein change: p.Asp1273Asn; replaces aspartic acid 1273 with asparagine.
Molecular consequence: missense variant.
Genome position (GRCh38, 1-based): chr7:93,132,155, C>T on the plus strand (G>A on the coding strand, the complement: SAMD9L is on the minus strand). VCF-style: chr7-93132155-C-T. GRCh37 (hg19) VCF-style: chr7-92761468-C-T.
Other names: c.3817G>A, p.Asp1273Asn (NM_001303496.3, NM_001303497.3, NM_001303498.3 and 5 more transcripts); short protein forms D1273N.
Identifiers: ClinVar variation 5028918 (VCV005028918.1).

ClinVar aggregate classification (germline): Uncertain significance (1 of 4 stars; one submission).

Conditions:
Inborn genetic diseases. Identifiers: MedGen C0950123, MeSH D030342.

Submission:

Ambry Genetics
Classification: Uncertain significance for Inborn genetic diseases. Last evaluated: 2026-07-27. Review status: criteria provided, single submitter. Criteria: Ambry Variant Classification Scheme 2023. Collection method: clinical testing. Allele origin: germline.
Comment: The p.D1273N variant (also known as c.3817G>A), located in coding exon 1 of the SAMD9L gene, results from a G to A substitution at nucleotide position 3817. The aspartic acid at codon 1273 is replaced by asparagine, an amino acid with highly similar properties. This amino acid position is conserved. In addition, this alteration is predicted to be tolerated by in silico analysis. Based on the available evidence, the clinical significance of this variant remains unclear.